The following is an entry in ClinVar:

ClinVar aggregate classification (germline): Likely benign. Review status: criteria provided, multiple submitters, no conflicts (2 of 4 stars). 3 submissions from 3 submitters: Likely benign (2). 1 of the submissions does not count toward it. Last evaluated 2025-09-02.

Conditions:
RYR1-related disorder. Also called: RYR1-related condition; RYR1-related disorders. Identifiers: MedGen CN239331.
Malignant hyperthermia, susceptibility to, 1 (MHS1). Also called: Malignant hyperthermia suceptibility 1; Anesthesia related hyperthermia; Malignant hyperpyrexia; Fulminating hyperpyrexia; Pharmacogenic myopathy; RYR1-Related Malignant Hyperthermia Susceptibility. Identifiers: Orphanet 423, MedGen C2930980, MONDO:0007783, OMIM 145600.

Allele frequency attached by ClinVar (database versions not stated): gnomAD 0.00001; gnomAD exomes 0.00001; TOPMed 0.00001.
gnomAD v4.1: 10 of 1,612,560 alleles (0.00062%); highest among the groups gnomAD compares: African/African-American, 0.0013%; no homozygotes.

Submissions (3):

Labcorp Genetics (formerly Invitae), Labcorp
Classification: Likely benign for RYR1-related disorder. Last evaluated: 2025-09-02. Review status: criteria provided, single submitter. Criteria: Invitae Variant Classification Sherloc (09022015). Collection method: clinical testing. Allele origin: germline.

All of Us Research Program, National Institutes of Health
Classification: Likely benign for Malignant hyperthermia, susceptibility to, 1. Last evaluated: 2023-06-26. Review status: criteria provided, single submitter. Criteria: ACMG Guidelines, 2015. Collection method: clinical testing. Allele origin: germline. Inheritance: Autosomal dominant inheritance. Observed: 1 variant allele, 1 heterozygote.
Comment: This study involves interpretation of variants in research participants for the purpose of population health screening. Participant phenotype was not available at the time of variant classification. Additional details can be found in publication PMID: 35346344, PMCID: PMC8962531

PreventionGenetics, part of Exact Sciences
Classification: Likely benign for RYR1-related condition. Last evaluated: 2024-06-18. Review status: no assertion criteria provided. Collection method: clinical testing. Allele origin: germline. Not counted in ClinVar's aggregate classification.
Comment: This variant is classified as likely benign based on ACMG/AMP sequence variant interpretation guidelines (Richards et al. 2015 PMID: 25741868, with internal and published modifications).

NM_000540.3(RYR1):c.2901T>C (p.Ala967=)

Gene: RYR1 (ryanodine receptor 1; plus strand). Cytogenetic location: 19q13.2.
Variant type: single nucleotide variant.
Coding change: c.2901T>C on transcript NM_000540.3 (MANE Select); coding-DNA position 2901, T replaced by C.
Protein change: p.Ala967=; no amino-acid change (alanine 967 retained).
Molecular consequence: synonymous variant.
Genome position (GRCh38, 1-based): chr19:38,466,121, T>C. VCF-style: chr19-38466121-T-C. GRCh37 (hg19) VCF-style: chr19-38956761-T-C.
Other names: c.2901T>C, p.Ala967= (NM_001042723.2).
Identifiers: ClinVar variation 2042128 (VCV002042128.6), dbSNP rs1297869465, ClinGen allele CA507352668.